The following is an entry in ClinVar:

ClinVar aggregate classification (germline): Likely benign. Review status: criteria provided, multiple submitters, no conflicts (2 of 4 stars). 5 submissions from 5 submitters: Likely benign (5). Last evaluated 2025-12-01.

Conditions:
Hereditary cancer-predisposing syndrome. Also called: Hereditary Cancer Syndrome; Tumor predisposition; Hereditary neoplastic syndrome; Neoplastic Syndromes, Hereditary. Identifiers: Orphanet 140162, MedGen C0027672, MeSH D009386, MONDO:0015356.
Hereditary breast ovarian cancer syndrome. Also called: Hereditary breast and ovarian cancer syndrome; Hereditary breast and ovarian cancer; Hereditary breast and ovarian cancer syndrome (HBOC); Hereditary breast and/or ovarian cancer syndrome; Breast and ovarian cancer; BRCA1- and BRCA2-Associated Hereditary Breast and Ovarian Cancer. Identifiers: Orphanet 145, MedGen C0677776, MeSH D061325, MONDO:0003582. Disease mechanism: loss of function.

Allele frequency attached by ClinVar (database versions not stated): TOPMed below 0.00001.

Submissions (5):

CeGaT Center for Human Genetics Tuebingen
Classification: Likely benign. Last evaluated: 2025-12-01. Review status: criteria provided, single submitter. Criteria: CeGaT Center For Human Genetics Tuebingen Variant Classification Criteria Version 2. Collection method: clinical testing. Allele origin: germline. Affected: yes. Observed: 1 variant allele.
Comment: BRCA2: PM2:Supporting, BP4, BP7

Ambry Genetics
Classification: Likely benign for Hereditary cancer-predisposing syndrome. Last evaluated: 2025-04-03. Review status: criteria provided, single submitter. Criteria: Ambry Variant Classification Scheme 2023. Collection method: clinical testing. Allele origin: germline.

Labcorp Genetics (formerly Invitae), Labcorp
Classification: Likely benign for Hereditary breast ovarian cancer syndrome. Last evaluated: 2023-12-12. Review status: criteria provided, single submitter. Criteria: Invitae Variant Classification Sherloc (09022015). Collection method: clinical testing. Allele origin: germline.

Quest Diagnostics Nichols Institute San Juan Capistrano
Classification: Likely benign. Last evaluated: 2019-05-10. Review status: criteria provided, single submitter. Criteria: Quest Diagnostics criteria. Collection method: clinical testing. Allele origin: germline.

Color Diagnostics, LLC DBA Color Health
Classification: Likely benign for Hereditary cancer-predisposing syndrome. Last evaluated: 2018-03-19. Review status: criteria provided, single submitter. Criteria: ACMG Guidelines, 2015. Collection method: clinical testing. Allele origin: germline.

NM_000059.4(BRCA2):c.951A>G (p.Thr317=)

Gene: BRCA2 (BRCA2 DNA repair associated; plus strand). Cytogenetic location: 13q13.1.
Variant type: single nucleotide variant.
Coding change: c.951A>G on transcript NM_000059.4 (MANE Select); coding-DNA position 951, A replaced by G.
Protein change: p.Thr317=; no amino-acid change (threonine 317 retained).
Molecular consequence: synonymous variant.
Genome position (GRCh38, 1-based): chr13:32,332,429, A>G. VCF-style: chr13-32332429-A-G. GRCh37 (hg19) VCF-style: chr13-32906566-A-G.
Identifiers: ClinVar variation 627924 (VCV000627924.18), dbSNP rs1566222427, ClinGen allele CA483436378.
Genomic context (GRCh38, chr13:32,332,429, plus strand): 5'-AACAGTTGTAGATACCTCTGAAGAAGATAGTTTTTCATTATGTTTTTCTAAATGTAGAAC[A>G]AAAAATCTACAAAAAGTAAGAACTAGCAAGACTAGGAAAAAAATTTTCCATGAAGCAAAC-3'
Protein context (NP_000050.3, residues 307-327): SFSLCFSKCR[Thr317=]KNLQKVRTSK